The following is an entry in ClinVar:

ClinVar aggregate classification (germline): Likely benign (1 of 4 stars; one submission).

gnomAD v4.1: 628 of 1,552,280 alleles (0.04%); highest among the groups gnomAD compares: Non-Finnish European, 0.053%; no homozygotes.

Submission:

CeGaT Center for Human Genetics Tuebingen
Classification: Likely benign. Last evaluated: 2025-10-01. Review status: criteria provided, single submitter. Criteria: CeGaT Center For Human Genetics Tuebingen Variant Classification Criteria Version 2. Collection method: clinical testing. Allele origin: germline. Affected: yes. Observed: 1 variant allele.
Comment: ZFHX4: BP4, BP7

NM_024721.5(ZFHX4):c.10083C>T (p.Asn3361=)

Gene: ZFHX4 (zinc finger homeobox 4; plus strand). Cytogenetic location: 8q21.13.
Variant type: single nucleotide variant.
Coding change: c.10083C>T on transcript NM_024721.5 (MANE Select); coding-DNA position 10083, C replaced by T.
Protein change: p.Asn3361=; no amino-acid change (asparagine 3361 retained).
Molecular consequence: synonymous variant.
Genome position (GRCh38, 1-based): chr8:76,863,797, C>T. VCF-style: chr8-76863797-C-T. GRCh37 (hg19) VCF-style: chr8-77776033-C-T.
Other names: c.10005C>T, p.Asn3335= (NM_001410934.1).
Identifiers: ClinVar variation 4533651 (VCV004533651.6).